The following is an entry in ClinVar:

ClinVar aggregate classification (germline): Uncertain significance (1 of 4 stars; one submission).

Conditions:
Peroxisome biogenesis disorder 2B (PBD2B). Identifiers: Orphanet 44, MedGen C3550234, MONDO:0008736, OMIM 202370.

gnomAD v4.1: 4 of 1,614,150 alleles (0.00025%); highest among the groups gnomAD compares: Admixed American, 0.0017%; no homozygotes.

Submission:

Labcorp Genetics (formerly Invitae), Labcorp
Classification: Uncertain significance for Peroxisome biogenesis disorder 2B. Last evaluated: 2022-08-21. Review status: criteria provided, single submitter. Criteria: Invitae Variant Classification Sherloc (09022015). Collection method: clinical testing. Allele origin: germline.
Comment: This sequence change replaces glycine, which is neutral and non-polar, with arginine, which is basic and polar, at codon 570 of the PEX5 protein (p.Gly570Arg). This variant is not present in population databases (gnomAD no frequency). This variant has not been reported in the literature in individuals affected with PEX5-related conditions. Algorithms developed to predict the effect of missense changes on protein structure and function are either unavailable or do not agree on the potential impact of this missense change (SIFT: "Deleterious"; PolyPhen-2: "Possibly Damaging"; Align-GVGD: "Class C0"). In summary, the available evidence is currently insufficient to determine the role of this variant in disease. Therefore, it has been classified as a Variant of Uncertain Significance.

NM_001351132.2(PEX5):c.1708G>A (p.Gly570Arg)

Gene: PEX5 (peroxisomal biogenesis factor 5; plus strand). Cytogenetic location: 12p13.31.
Variant type: single nucleotide variant.
Coding change: c.1708G>A on transcript NM_001351132.2 (MANE Select); coding-DNA position 1708, G replaced by A.
Protein change: p.Gly570Arg; replaces glycine 570 with arginine.
Molecular consequence: missense variant.
Genome position (GRCh38, 1-based): chr12:7,209,830, G>A. VCF-style: chr12-7209830-G-A. GRCh37 (hg19) VCF-style: chr12-7362426-G-A.
Other names: c.1684G>A, p.Gly562Arg (NM_000319.5); c.1753G>A, p.Gly585Arg (NM_001131023.2); c.1597G>A, p.Gly533Arg (NM_001131024.2, NM_001351124.3, NM_001351126.2 and 7 more transcripts); c.1708G>A, p.Gly570Arg (NM_001131025.2, NM_001131026.2, NM_001300789.3 and 4 more transcripts); c.1642G>A, p.Gly548Arg (NM_001351135.3, NM_001351138.2); c.1699G>A, p.Gly567Arg (NM_001351136.2); c.1573G>A, p.Gly525Arg (NM_001351139.2, NM_001351140.2, NM_001374649.2); short protein forms G533R, G548R, G525R, G570R, G562R, G567R, G585R.
Identifiers: ClinVar variation 1954992 (VCV001954992.5), dbSNP rs1945315994, ClinGen allele CA383738785.
Genomic context (GRCh38, chr12:7,209,830, plus strand): 5'-GAGCTCCAGCCTGGCTATATCCGGTCCCGCTATAACCTGGGCATCAGCTGCATCAACCTC[G>A]GGGCTCACCGGTGAGAGTATCTATTGAGAAATGAATGAATGAGCTTTTTCTCCCTGCCTT-3'
Protein context (NP_001338061.1, residues 560-580): YNLGISCINL[Gly570Arg]AHREAVEHFL